The following is an entry in ClinVar:

NM_005475.3(SH2B3):c.797T>C (p.Leu266Pro)

Gene: SH2B3 (SH2B adaptor protein 3; plus strand). Cytogenetic location: 12q24.12.
Variant type: single nucleotide variant.
Coding change: c.797T>C on transcript NM_005475.3 (MANE Select); coding-DNA position 797, T replaced by C.
Protein change: p.Leu266Pro; replaces leucine 266 with proline.
Molecular consequence: missense variant.
Genome position (GRCh38, 1-based): chr12:111,446,817, T>C. VCF-style: chr12-111446817-T-C. GRCh37 (hg19) VCF-style: chr12-111884621-T-C.
Other names: c.191T>C, p.Leu64Pro (NM_001291424.1); short protein forms L266P, L64P.
Identifiers: ClinVar variation 3953459 (VCV003953459.1).

ClinVar aggregate classification (germline): Uncertain significance (1 of 4 stars; one submission).

Conditions:
Inborn genetic diseases. Identifiers: MedGen C0950123, MeSH D030342.

Submission:

Ambry Genetics
Classification: Uncertain significance for Inborn genetic diseases. Last evaluated: 2025-04-17. Review status: criteria provided, single submitter. Criteria: Ambry Variant Classification Scheme 2023. Collection method: clinical testing. Allele origin: germline.
Comment: The p.L266P variant (also known as c.797T>C), located in coding exon 2 of the SH2B3 gene, results from a T to C substitution at nucleotide position 797. The leucine at codon 266 is replaced by proline, an amino acid with similar properties. This amino acid position is conserved. In addition, this alteration is predicted to be deleterious by in silico analysis. Based on the available evidence, the clinical significance of this variant remains unclear.